The following is an entry in ClinVar:

NM_144997.7(FLCN):c.242T>C (p.Met81Thr)

Gene: FLCN (folliculin; minus strand). Cytogenetic location: 17p11.2.
Variant type: single nucleotide variant.
Coding change: c.242T>C on transcript NM_144997.7 (MANE Select); coding-DNA position 242, T replaced by C.
Protein change: p.Met81Thr; replaces methionine 81 with threonine.
Molecular consequence: missense variant.
Genome position (GRCh38, 1-based): chr17:17,227,896, A>G on the plus strand (T>C on the coding strand, the complement: FLCN is on the minus strand). VCF-style: chr17-17227896-A-G. GRCh37 (hg19) VCF-style: chr17-17131210-A-G.
Other names: c.242T>C, p.Met81Thr (NM_001353229.2, NM_001353230.2, NM_001353231.2 and 1 more transcripts); short protein forms M81T.
Identifiers: ClinVar variation 4257923 (VCV004257923.1).

ClinVar aggregate classification (germline): Uncertain significance (1 of 4 stars; one submission).

Conditions:
Hereditary cancer-predisposing syndrome. Also called: Hereditary Cancer Syndrome; Hereditary neoplastic syndrome; Neoplastic Syndromes, Hereditary; Tumor predisposition. Identifiers: Orphanet 140162, MedGen C0027672, MeSH D009386, MONDO:0015356.

Submission:

Ambry Genetics
Classification: Uncertain significance for Hereditary cancer-predisposing syndrome. Last evaluated: 2025-07-02. Review status: criteria provided, single submitter. Criteria: Ambry Variant Classification Scheme 2023. Collection method: clinical testing. Allele origin: germline.
Comment: The p.M81T variant (also known as c.242T>C), located in coding exon 1 of the FLCN gene, results from a T to C substitution at nucleotide position 242. The methionine at codon 81 is replaced by threonine, an amino acid with similar properties. This amino acid position is conserved. In addition, this alteration is predicted to be deleterious by in silico analysis. Based on the available evidence, the clinical significance of this variant remains unclear.